The following is an entry in ClinVar:

ClinVar aggregate classification (germline): Uncertain significance (1 of 4 stars; one submission).

Conditions:
Inborn genetic diseases. Identifiers: MedGen C0950123, MeSH D030342.

Submission:

Ambry Genetics
Classification: Uncertain significance for Inborn genetic diseases. Last evaluated: 2025-05-05. Review status: criteria provided, single submitter. Criteria: Ambry Variant Classification Scheme 2023. Collection method: clinical testing. Allele origin: germline.
Comment: The p.N306S variant (also known as c.917A>G), located in coding exon 5 of the ERCC6L2 gene, results from an A to G substitution at nucleotide position 917. The asparagine at codon 306 is replaced by serine, an amino acid with highly similar properties. This amino acid position is conserved. In addition, the in silico prediction for this alteration is inconclusive. Based on the available evidence, the clinical significance of this variant remains unclear.

NM_020207.7(ERCC6L2):c.917A>G (p.Asn306Ser)

Gene: ERCC6L2 (ERCC excision repair 6 like 2; plus strand). Cytogenetic location: 9q22.32.
Variant type: single nucleotide variant.
Coding change: c.917A>G on transcript NM_020207.7 (MANE Select); coding-DNA position 917, A replaced by G.
Protein change: p.Asn306Ser; replaces asparagine 306 with serine.
Molecular consequence: missense variant. On other transcripts: non-coding transcript variant (1).
Genome position (GRCh38, 1-based): chr9:95,915,796, A>G. VCF-style: chr9-95915796-A-G. GRCh37 (hg19) VCF-style: chr9-98678078-A-G.
Other names: c.917A>G, p.Asn306Ser (NM_001010895.4, NM_001375291.1, NM_001375292.1 and 2 more transcripts); short protein forms N306S.
Identifiers: ClinVar variation 4019341 (VCV004019341.1).
Genomic context (GRCh38, chr9:95,915,796, plus strand): 5'-AAGTTATGAAAGCTTTGAAATGTAATGTCCGCATTGGCCTCACTGGAACCATCCTTCAGA[A>G]CAACATGAAGGAACTGTGGTGTGTTATGGACTGGTGAGAGAAAACACTTTTTAAAAAATT-3'
Protein context (NP_064592.3, residues 296-316): RIGLTGTILQ[Asn306Ser]NMKELWCVMD